The following is an entry in ClinVar:

NM_007272.3(CTRC):c.304G>T (p.Val102Leu)

Gene: CTRC (chymotrypsin C; plus strand). Cytogenetic location: 1p36.21.
Variant type: single nucleotide variant.
Coding change: c.304G>T on transcript NM_007272.3 (MANE Select); coding-DNA position 304, G replaced by T.
Protein change: p.Val102Leu; replaces valine 102 with leucine.
Molecular consequence: missense variant.
Genome position (GRCh38, 1-based): chr1:15,442,520, G>T. VCF-style: chr1-15442520-G-T. GRCh37 (hg19) VCF-style: chr1-15769016-G-T.
Other names: short protein forms V102L.
Identifiers: ClinVar variation 1799254 (VCV001799254.2), dbSNP rs2526294596, ClinGen allele CA338565492.

ClinVar aggregate classification (germline): Uncertain significance (1 of 4 stars; one submission).

Conditions:
Hereditary pancreatitis (PCTT). Also called: Hereditary chronic pancreatitis; PRSS1-Related Hereditary Pancreatitis. Identifiers: Orphanet 676, MedGen C0238339, MONDO:0008185, OMIM 167800.

Submission:

Ambry Genetics
Classification: Uncertain significance for Hereditary pancreatitis. Last evaluated: 2021-09-30. Review status: criteria provided, single submitter. Criteria: Ambry Variant Classification Scheme 2023. Collection method: clinical testing. Allele origin: germline.
Comment: The p.V102L variant (also known as c.304G>T), located in coding exon 4 of the CTRC gene, results from a G to T substitution at nucleotide position 304. The valine at codon 102 is replaced by leucine, an amino acid with highly similar properties. This amino acid position is conserved. In addition, this alteration is predicted to be tolerated by in silico analysis. Since supporting evidence is limited at this time, the clinical significance of this alteration remains unclear.